The following is an entry in ClinVar:

NM_000548.5(TSC2):c.4097A>C (p.Glu1366Ala)

Gene: TSC2 (TSC complex subunit 2; plus strand). Cytogenetic location: 16p13.3.
Variant type: single nucleotide variant.
Coding change: c.4097A>C on transcript NM_000548.5 (MANE Select); coding-DNA position 4097, A replaced by C.
Protein change: p.Glu1366Ala; replaces glutamic acid 1366 with alanine.
Molecular consequence: missense variant.
Genome position (GRCh38, 1-based): chr16:2,084,319, A>C. VCF-style: chr16-2084319-A-C. GRCh37 (hg19) VCF-style: chr16-2134320-A-C.
Other names: c.3896A>C, p.Glu1299Ala (NM_001077183.3); c.4028A>C, p.Glu1343Ala (NM_001114382.3); c.3788A>C, p.Glu1263Ala (NM_001318827.2); c.3752A>C, p.Glu1251Ala (NM_001318829.2); c.3365A>C, p.Glu1122Ala (NM_001318831.2); c.3929A>C, p.Glu1310Ala (NM_001318832.2); c.3899A>C, p.Glu1300Ala (NM_001363528.2); c.3965A>C, p.Glu1322Ala (NM_001370404.1); and 1 more; short protein forms E1366A, E1122A, E1263A, E1300A, E1322A, E1323A, E1299A, E1343A.
Identifiers: ClinVar variation 230453 (VCV000230453.24), dbSNP rs755461310, ClinGen allele CA050437.

ClinVar aggregate classification (germline): Conflicting classifications of pathogenicity. Review status: criteria provided, conflicting classifications (1 of 4 stars). 6 submissions from 6 submitters: Uncertain significance (4); Benign (1); Likely benign (1). Last evaluated 2025-11-24.

Conditions:
Hereditary cancer-predisposing syndrome. Also called: Hereditary Cancer Syndrome; Neoplastic Syndromes, Hereditary; Tumor predisposition; Hereditary neoplastic syndrome. Identifiers: Orphanet 140162, MedGen C0027672, MeSH D009386, MONDO:0015356.
Tuberous sclerosis syndrome (TSC). Also called: Tuberous sclerosis; Tuberous Sclerosis Complex. Identifiers: Orphanet 805, MedGen C0041341, MONDO:0001734.
Tuberous sclerosis 2 (TSC2). Identifiers: Orphanet 805, MedGen C1860707, MONDO:0013199, OMIM 613254.

Allele frequency attached by ClinVar (database versions not stated): TOPMed below 0.00001; ExAC 0.00002; gnomAD exomes 0.00002.
gnomAD v4.1: 5 of 1,612,684 alleles (0.00031%); highest among the groups gnomAD compares: Non-Finnish European, 0.00042%; no homozygotes.

Submissions (6):

Labcorp Genetics (formerly Invitae), Labcorp
Classification: Benign for Tuberous sclerosis 2. Last evaluated: 2025-11-24. Review status: criteria provided, single submitter. Criteria: Invitae Variant Classification Sherloc (09022015). Collection method: clinical testing. Allele origin: germline.

Color Diagnostics, LLC DBA Color Health
Classification: Uncertain significance for Tuberous sclerosis syndrome. Last evaluated: 2025-08-07. Review status: criteria provided, single submitter. Criteria: ACMG Guidelines, 2015. Collection method: clinical testing. Allele origin: germline.
Comment: This missense variant replaces glutamic acid with alanine at codon 1366 of the TSC2 protein. Computational prediction is inconclusive regarding the impact of this variant on protein structure and function. To our knowledge, functional studies have not been reported for this variant. This variant has not been reported in individuals affected with TSC2-related disorders in the literature. This variant has been identified in 4/248526 chromosomes in the general population by the Genome Aggregation Database (gnomAD). The available evidence is insufficient to determine the role of this variant in disease conclusively. Therefore, this variant is classified as a Variant of Uncertain Significance.

St. Jude Molecular Pathology, St. Jude Children's Research Hospital
Classification: Uncertain significance for Tuberous sclerosis 2. Last evaluated: 2025-06-17. Review status: criteria provided, single submitter. Criteria: St. Jude Assertion Criteria 2020. Collection method: clinical testing. Allele origin: germline.
Comment: The TSC2 c.4097A>C p.(Glu1366Ala) missense change has a maximum subpopulation frequency of 0.004% in gnomAD v2.1.1. The in silico tool REVEL is inconclusive about a pathogenic or benign effect of this variant on protein function, and to our knowledge functional studies have not been performed. To our knowledge, this variant has not been reported in individuals with tuberous sclerosis complex. In summary, the evidence currently available is insufficient to determine the clinical significance of this variant. It has therefore been classified as of uncertain significance.

Ambry Genetics
Classification: Uncertain significance for Hereditary cancer-predisposing syndrome. Last evaluated: 2024-06-24. Review status: criteria provided, single submitter. Criteria: Ambry Variant Classification Scheme 2023. Collection method: clinical testing. Allele origin: germline.
Comment: The p.E1366A variant (also known as c.4097A>C), located in coding exon 33 of the TSC2 gene, results from an A to C substitution at nucleotide position 4097. The glutamic acid at codon 1366 is replaced by alanine, an amino acid with dissimilar properties. This amino acid position is not well conserved in available vertebrate species. In addition, the in silico prediction for this alteration is inconclusive. Based on the available evidence, the clinical significance of this variant remains unclear.

Genome-Nilou Lab
Classification: Likely benign for Tuberous sclerosis 2. Last evaluated: 2021-11-07. Review status: criteria provided, single submitter. Criteria: ACMG Guidelines, 2015. Collection method: clinical testing. Allele origin: germline. Affected: no.

Illumina Laboratory Services, Illumina
Classification: Uncertain significance for Tuberous sclerosis syndrome. Last evaluated: 2018-01-13. Review status: criteria provided, single submitter. Criteria: ICSL Variant Classification Criteria 13 December 2019. Collection method: clinical testing. Allele origin: germline.